The following is an entry in ClinVar:

NM_001267550.2(TTN):c.36383A>T (p.Glu12128Val)

Gene: TTN (titin; minus strand). Cytogenetic location: 2q31.2.
Variant type: single nucleotide variant.
Coding change: c.36383A>T on transcript NM_001267550.2 (MANE Select); coding-DNA position 36383, A replaced by T.
Protein change: p.Glu12128Val; replaces glutamic acid 12128 with valine.
Molecular consequence: missense variant. On other transcripts: intron variant (5).
Genome position (GRCh38, 1-based): chr2:178,663,884, T>A on the plus strand (A>T on the coding strand, the complement: TTN is on the minus strand). VCF-style: chr2-178663884-T-A. GRCh37 (hg19) VCF-style: chr2-179528611-T-A.
Other names: c.13283-21567A>T (NM_003319.4); c.13859-21567A>T (NM_133437.4); c.13658-21567A>T (NM_133432.3); c.31484-829A>T (NM_133378.4); c.34265-829A>T (NM_001256850.1); short protein forms E12128V.
Identifiers: ClinVar variation 4076435 (VCV004076435.1), dbSNP rs780761095.

ClinVar aggregate classification (germline): Likely benign (1 of 4 stars; one submission).

gnomAD v4.1: 4 of 1,613,262 alleles (0.00025%); highest among the groups gnomAD compares: Admixed American, 0.0067%; no homozygotes.

Submission:

Molecular Diagnostic Laboratory for Inherited Cardiovascular Disease, Montreal Heart Institute
Classification: Likely benign. Last evaluated: 2025-07-24. Review status: criteria provided, single submitter. Criteria: ACMG Guidelines, 2015. Collection method: clinical testing. Allele origin: germline. Affected: no.
Comment: BP7